The following is an entry in ClinVar:

NM_001039876.3(SYNE4):c.638C>T (p.Thr213Met)

Gene: SYNE4 (spectrin repeat containing nuclear envelope family member 4; minus strand). Cytogenetic location: 19q13.12.
Variant type: single nucleotide variant.
Coding change: c.638C>T on transcript NM_001039876.3 (MANE Select); coding-DNA position 638, C replaced by T.
Protein change: p.Thr213Met; replaces threonine 213 with methionine.
Molecular consequence: missense variant.
Genome position (GRCh38, 1-based): chr19:36,006,652, G>A on the plus strand (C>T on the coding strand, the complement: SYNE4 is on the minus strand). VCF-style: chr19-36006652-G-A. GRCh37 (hg19) VCF-style: chr19-36497554-G-A.
Other names: c.299C>T, p.Thr100Met (NM_001297735.3); short protein forms T100M, T213M.
Identifiers: ClinVar variation 666764 (VCV000666764.10), dbSNP rs199916743, ClinGen allele CA9393881.

ClinVar aggregate classification (germline): Conflicting classifications of pathogenicity. Review status: criteria provided, conflicting classifications (1 of 4 stars). 4 submissions from 4 submitters: Uncertain significance (1); Likely benign (2). 1 of the submissions does not count toward it. Last evaluated 2022-09-12.

Conditions:
SYNE4-related disorder. Also called: SYNE4-related condition.

Allele frequency attached by ClinVar (database versions not stated): gnomAD exomes 0.00017; ExAC 0.00019; gnomAD 0.00026 and 0.00028; TOPMed 0.00052; 1000 Genomes Project 0.00060; 1000 Genomes Project 30x 0.00062.
gnomAD v4.1: 134 of 1,603,300 alleles (0.0084%); highest among the groups gnomAD compares: East Asian, 0.092%; no homozygotes.

Submissions (4):

Labcorp Genetics (formerly Invitae), Labcorp
Classification: Uncertain significance. Last evaluated: 2022-09-12. Review status: criteria provided, single submitter. Criteria: Invitae Variant Classification Sherloc (09022015). Collection method: clinical testing. Allele origin: germline.
Comment: This sequence change replaces threonine, which is neutral and polar, with methionine, which is neutral and non-polar, at codon 213 of the SYNE4 protein (p.Thr213Met). This variant is present in population databases (rs199916743, gnomAD 0.2%). This variant has not been reported in the literature in individuals affected with SYNE4-related conditions. ClinVar contains an entry for this variant (Variation ID: 666764). Advanced modeling of protein sequence and biophysical properties (such as structural, functional, and spatial information, amino acid conservation, physicochemical variation, residue mobility, and thermodynamic stability) performed at Invitae indicates that this missense variant is not expected to disrupt SYNE4 protein function. In summary, the available evidence is currently insufficient to determine the role of this variant in disease. Therefore, it has been classified as a Variant of Uncertain Significance.

GeneDx
Classification: Likely benign. Last evaluated: 2021-02-05. Review status: criteria provided, single submitter. Criteria: GeneDx Variant Classification Process June 2021. Collection method: clinical testing. Allele origin: germline. Affected: yes.

Laboratory for Molecular Medicine, Mass General Brigham Personalized Medicine
Classification: Likely benign. Last evaluated: 2019-02-26. Review status: criteria provided, single submitter. Criteria: LMM Criteria. Collection method: clinical testing. Allele origin: germline. Observed: 1 variant allele.
Comment: The p.Thr213Met variant in SYNE4 is classified as likely benign because it has not been reported in individuals with hearing loss, but has been identified in 0.2% (35/19416) of East Asian chromosomes by gnomAD. Additionally, computational prediction tools and conservation analysis suggest that the variant may not impact the protein. ACMG/AMP Criteria applied: BS1_Supporting, BP4.

PreventionGenetics, part of Exact Sciences
Classification: Likely benign for SYNE4-related condition. Last evaluated: 2022-06-20. Review status: no assertion criteria provided. Collection method: clinical testing. Allele origin: germline. Not counted in ClinVar's aggregate classification.
Comment: This variant is classified as likely benign based on ACMG/AMP sequence variant interpretation guidelines (Richards et al. 2015 PMID: 25741868, with internal and published modifications).